The following is an entry in ClinVar:

NM_001182.5(ALDH7A1):c.1480G>C (p.Gly494Arg)

Gene: ALDH7A1 (aldehyde dehydrogenase 7 family member A1; minus strand). Cytogenetic location: 5q23.2.
Variant type: single nucleotide variant.
Coding change: c.1480G>C on transcript NM_001182.5 (MANE Select); coding-DNA position 1480, G replaced by C.
Protein change: p.Gly494Arg; replaces glycine 494 with arginine.
Molecular consequence: missense variant.
Genome position (GRCh38, 1-based): chr5:126,549,938, C>G on the plus strand (G>C on the coding strand, the complement: ALDH7A1 is on the minus strand). VCF-style: chr5-126549938-C-G. GRCh37 (hg19) VCF-style: chr5-125885630-C-G.
Other names: NP_001173.2:p.(Gly494Arg); c.1396G>C, p.Gly466Arg (NM_001201377.2); c.1288G>C, p.Gly430Arg (NM_001202404.2); short protein forms G430R, G466R, G494R.
Identifiers: ClinVar variation 1705833 (VCV001705833.3), dbSNP rs2112752319, ClinGen allele CA360720879.
Genomic context (GRCh38, chr5:126,549,938, plus strand): 5'-GGTTTTTCTTTGCTGCCCAACATGGAAAAGGAGAAATGATTCTCTACGTACCAAAGGCAC[C>G]TCCAATCTCAGCCCCACTTGTTGGAATGTTGACATTTACAATGCCACAGTCTGATCCTTT-3'
Protein context (NP_001173.2, residues 484-504): NIPTSGAEIG[Gly494Arg]AFGGEKHTGG

ClinVar aggregate classification (germline): Likely pathogenic (1 of 4 stars; one submission).

Conditions:
Pyridoxine-dependent epilepsy (EPEO4). Also called: EPILEPSY, EARLY-ONSET, 4, VITAMIN B6-DEPENDENT; PYRIDOXINE DEPENDENCY WITH SEIZURES; Pyridoxine-Dependent Seizures; Pyridoxine-Dependent Epilepsy - ALDH7A1. Identifiers: Orphanet 3006, MedGen C1849508, MONDO:0009945, OMIM 266100. Disease mechanism: loss of function.

Submission:

Unidad de Genómica Garrahan, Hospital de Pediatría Garrahan
Classification: Likely pathogenic for Pyridoxine-dependent epilepsy. Last evaluated: 2023-01-01. Review status: criteria provided, single submitter. Criteria: ACMG Guidelines, 2015. Collection method: clinical testing. Allele origin: maternal. Affected: yes. Observed: 1 variant allele.
Comment: ACMG/AMP criteria applied: PM2_supporting, PM5_moderate, PP2_supporting, PP3_moderate. . Probable compound heterozygous.